The following is an entry in ClinVar:

ClinVar aggregate classification (germline): Benign/Likely benign. Review status: criteria provided, multiple submitters, no conflicts (2 of 4 stars). 5 submissions from 5 submitters: Benign (4); Likely benign (1). Last evaluated 2026-02-03.

Conditions:
Diffuse cerebral and cerebellar atrophy - intractable seizures - progressive microcephaly syndrome. Also called: Microcephaly, progressive, with seizures and cerebral and cerebellar atrophy. Identifiers: Orphanet 404437, MedGen C4014239, MONDO:0014335, OMIM 615760.

Allele frequency attached by ClinVar (database versions not stated): 1000 Genomes Project 0.01637; 1000 Genomes Project 30x 0.01671; TOPMed 0.03437; ExAC 0.03907; gnomAD 0.03998 and 0.04122; ESP Exome Variant Server 0.04260; gnomAD exomes 0.05668.
gnomAD v4.1: 88,288 of 1,613,540 alleles (5.5%); highest among the groups gnomAD compares: Non-Finnish European, 6.5%; 2,813 homozygotes.

Submissions (5):

Labcorp Genetics (formerly Invitae), Labcorp
Classification: Benign for Diffuse cerebral and cerebellar atrophy - intractable seizures - progressive microcephaly syndrome. Last evaluated: 2026-02-03. Review status: criteria provided, single submitter. Criteria: Invitae Variant Classification Sherloc (09022015). Collection method: clinical testing. Allele origin: germline.

Blueprint Genetics
Classification: Likely benign. Last evaluated: 2024-11-26. Review status: criteria provided, single submitter. Criteria: ACMG Guidelines, 2015. Collection method: clinical testing. Allele origin: germline.

Mayo Clinic Laboratories, Mayo Clinic
Classification: Benign. Last evaluated: 2022-10-27. Review status: criteria provided, single submitter. Criteria: ACMG Guidelines, 2015. Collection method: clinical testing. Allele origin: germline. Observed: 54 variant alleles.

GeneDx
Classification: Benign. Last evaluated: 2015-12-17. Review status: criteria provided, single submitter. Criteria: GeneDx Variant Classification (06012015). Collection method: clinical testing. Allele origin: germline. Affected: yes.
Comment: This variant is considered likely benign or benign based on one or more of the following criteria: it is a conservative change, it occurs at a poorly conserved position in the protein, it is predicted to be benign by multiple in silico algorithms, and/or has population frequency not consistent with disease.

Breakthrough Genomics
Classification: Benign. Review status: criteria provided, single submitter. Criteria: ACMG Guidelines, 2015. Collection method: not provided. Allele origin: germline. Inheritance: Autosomal recessive inheritance. Affected: yes.

NM_005051.3(QARS1):c.854A>G (p.Asn285Ser)

Gene: QARS1 (glutaminyl-tRNA synthetase 1; minus strand). Cytogenetic location: 3p21.31.
Variant type: single nucleotide variant.
Coding change: c.854A>G on transcript NM_005051.3 (MANE Select); coding-DNA position 854, A replaced by G.
Protein change: p.Asn285Ser; replaces asparagine 285 with serine.
Molecular consequence: missense variant. On other transcripts: non-coding transcript variant (1).
Genome position (GRCh38, 1-based): chr3:49,101,377, T>C on the plus strand (A>G on the coding strand, the complement: QARS1 is on the minus strand). VCF-style: chr3-49101377-T-C. GRCh37 (hg19) VCF-style: chr3-49138810-T-C.
Other names: p.Asn285Ser; c.821A>G, p.Asn274Ser (NM_001272073.2); short protein forms N285S, N274S.
Identifiers: ClinVar variation 380108 (VCV000380108.11), dbSNP rs11539148, ClinGen allele CA2391993.